The following is an entry in ClinVar:

ClinVar aggregate classification (germline): Benign/Likely benign. Review status: criteria provided, multiple submitters, no conflicts (2 of 4 stars). 5 submissions from 5 submitters: Benign (3); Likely benign (2). Last evaluated 2026-01-26.

Conditions:
Benign neonatal seizures. Also called: Convulsions benign familial neonatal dominant form; Autosomal dominant form of benign neonatal seizures; Benign familial neonatal seizures; Benign neonatal familial convulsions; Benign familial neonatal epilepsy. Identifiers: Orphanet 1949, MedGen C0220669, MONDO:0016027.
Seizures, benign familial neonatal, 2. Also called: KCNQ3-Related Self-Limited Familial Neonatal Epilepsy (SLFNE); CONVULSIONS, BENIGN FAMILIAL NEONATAL, 2; Benign Neonatal Epilepsy 2; KCNQ3-Related Benign Familial Neonatal Epilepsy; Seizures, benign neonatal, 2. Identifiers: Orphanet 1949, MedGen C1852581, MONDO:0007366, OMIM 121201.

Allele frequency attached by ClinVar (database versions not stated): gnomAD exomes 0.00034 and 0.00078; ExAC 0.00101; 1000 Genomes Project 0.00160; 1000 Genomes Project 30x 0.00203; gnomAD 0.00273 and 0.00301; TOPMed 0.00325; ESP Exome Variant Server 0.00415.
gnomAD v4.1: 933 of 1,607,906 alleles (0.058%); highest among the groups gnomAD compares: African/African-American, 0.97%; 6 homozygotes.

Submissions (5):

Labcorp Genetics (formerly Invitae), Labcorp
Classification: Benign for Benign neonatal seizures. Last evaluated: 2026-01-26. Review status: criteria provided, single submitter. Criteria: Invitae Variant Classification Sherloc (09022015). Collection method: clinical testing. Allele origin: germline.

Blueprint Genetics
Classification: Likely benign. Last evaluated: 2024-11-14. Review status: criteria provided, single submitter. Criteria: ACMG Guidelines, 2015. Collection method: clinical testing. Allele origin: germline.

ARUP Laboratories, Molecular Genetics and Genomics, ARUP Laboratories
Classification: Benign for Seizures, benign familial neonatal, 2. Last evaluated: 2024-10-11. Review status: criteria provided, single submitter. Criteria: ARUP Molecular Germline Variant Investigation Process 2024. Collection method: clinical testing. Allele origin: germline.

Fulgent Genetics
Classification: Likely benign for Seizures, benign familial neonatal, 2. Last evaluated: 2022-05-11. Review status: criteria provided, single submitter. Criteria: ACMG Guidelines, 2015. Collection method: clinical testing. Allele origin: unknown.

GeneDx
Classification: Benign. Last evaluated: 2013-07-24. Review status: criteria provided, single submitter. Criteria: GeneDx Variant Classification (06012015). Collection method: clinical testing. Allele origin: germline. Affected: yes.
Comment: This variant is considered likely benign or benign based on one or more of the following criteria: it is a conservative change, it occurs at a poorly conserved position in the protein, it is predicted to be benign by multiple in silico algorithms, and/or has population frequency not consistent with disease.

NM_004519.4(KCNQ3):c.1236-16C>T

Gene: KCNQ3 (potassium voltage-gated channel subfamily Q member 3; minus strand). Cytogenetic location: 8q24.22.
Variant type: single nucleotide variant.
Coding change: c.1236-16C>T on transcript NM_004519.4 (MANE Select); 16 bases into the intron before coding-DNA position 1236, C replaced by T.
Molecular consequence: intron variant.
Genome position (GRCh38, 1-based): chr8:132,163,510, G>A on the plus strand (C>T on the coding strand, the complement: KCNQ3 is on the minus strand). VCF-style: chr8-132163510-G-A. GRCh37 (hg19) VCF-style: chr8-133175757-G-A.
Other names: c.876-16C>T (NM_001204824.2).
Identifiers: ClinVar variation 138042 (VCV000138042.12), dbSNP rs201168632, ClinGen allele CA291834.